The following is an entry in ClinVar:

NM_016507.4(CDK12):c.149C>T (p.Ser50Phe)

Genes: CDK12 (cyclin dependent kinase 12; plus strand), LOC126862553 (CDK7 strongly-dependent group 2 enhancer GRCh37_chr17:37618166-37619365; plus strand). Cytogenetic location: 17q12.
Variant type: single nucleotide variant.
Coding change: c.149C>T on transcript NM_016507.4 (MANE Select); coding-DNA position 149, C replaced by T.
Protein change: p.Ser50Phe; replaces serine 50 with phenylalanine.
Molecular consequence: missense variant.
Genome position (GRCh38, 1-based): chr17:39,462,220, C>T. VCF-style: chr17-39462220-C-T. GRCh37 (hg19) VCF-style: chr17-37618473-C-T.
Other names: c.149C>T, p.Ser50Phe (NM_015083.4); short protein forms S50F.
Identifiers: ClinVar variation 3830631 (VCV003830631.1).

ClinVar aggregate classification (germline): Uncertain significance (1 of 4 stars; one submission).

Submission:

Ambry Genetics
Classification: Uncertain significance. Last evaluated: 2025-02-08. Review status: criteria provided, single submitter. Criteria: Ambry Variant Classification Scheme 2023. Collection method: clinical testing. Allele origin: germline.
Comment: The p.S50F variant (also known as c.149C>T), located in coding exon 1 of the CDK12 gene, results from a C to T substitution at nucleotide position 149. The serine at codon 50 is replaced by phenylalanine, an amino acid with highly dissimilar properties. This amino acid position is conserved. In addition, this alteration is predicted to be tolerated by in silico analysis. Based on the available evidence, the clinical significance of this variant remains unclear.